The following is an entry in ClinVar:

NM_001011.4(RPS7):c.113C>T (p.Ala38Val)

Gene: RPS7 (ribosomal protein S7; plus strand). Cytogenetic location: 2p25.3.
Variant type: single nucleotide variant.
Coding change: c.113C>T on transcript NM_001011.4 (MANE Select); coding-DNA position 113, C replaced by T.
Protein change: p.Ala38Val; replaces alanine 38 with valine.
Molecular consequence: missense variant.
Genome position (GRCh38, 1-based): chr2:3,575,854, C>T. VCF-style: chr2-3575854-C-T. GRCh37 (hg19) VCF-style: chr2-3623444-C-T.
Other names: short protein forms A38V.
Identifiers: ClinVar variation 1037436 (VCV001037436.9), dbSNP rs929660330, ClinGen allele CA41546210.

ClinVar aggregate classification (germline): Uncertain significance. Review status: criteria provided, multiple submitters, no conflicts (2 of 4 stars). 2 submissions from 2 submitters: Uncertain significance (2). Last evaluated 2023-05-01.

Conditions:
Diamond-Blackfan anemia 8 (DBA8). Also called: RPS7-Related Diamond-Blackfan Anemia. Identifiers: Orphanet 124, MedGen C2675511, MONDO:0012939, OMIM 612563.

Allele frequency attached by ClinVar (database versions not stated): gnomAD exomes 0.00001; TOPMed 0.00001.
gnomAD v4.1: 9 of 1,611,628 alleles (0.00056%); highest among the groups gnomAD compares: East Asian, 0.0067%; no homozygotes.

Submissions (2):

Labcorp Genetics (formerly Invitae), Labcorp
Classification: Uncertain significance for Diamond-Blackfan anemia 8. Last evaluated: 2023-05-01. Review status: criteria provided, single submitter. Criteria: Invitae Variant Classification Sherloc (09022015). Collection method: clinical testing. Allele origin: germline.
Comment: In summary, the available evidence is currently insufficient to determine the role of this variant in disease. Therefore, it has been classified as a Variant of Uncertain Significance. An algorithm developed to predict the effect of missense changes on protein structure and function (PolyPhen-2) suggests that this variant is likely to be tolerated. ClinVar contains an entry for this variant (Variation ID: 1037436). This variant has not been reported in the literature in individuals affected with RPS7-related conditions. This variant is not present in population databases (gnomAD no frequency). This sequence change replaces alanine, which is neutral and non-polar, with valine, which is neutral and non-polar, at codon 38 of the RPS7 protein (p.Ala38Val).

Blueprint Genetics
Classification: Uncertain significance. Last evaluated: 2021-12-03. Review status: criteria provided, single submitter. Criteria: ACMG Guidelines, 2015. Collection method: clinical testing. Allele origin: germline.